The following is an entry in ClinVar:

ClinVar aggregate classification (germline): Uncertain significance (1 of 4 stars; one submission).

Conditions:
Nephronophthisis. Also called: Juvenile Nephronophthisis. Identifiers: Orphanet 655, MedGen C0687120, MONDO:0019005, HP:0000090.

Submission:

Labcorp Genetics (formerly Invitae), Labcorp
Classification: Uncertain significance for Nephronophthisis. Last evaluated: 2022-02-04. Review status: criteria provided, single submitter. Criteria: Invitae Variant Classification Sherloc (09022015). Collection method: clinical testing. Allele origin: germline.
Comment: In summary, the available evidence is currently insufficient to determine the role of this variant in disease. Therefore, it has been classified as a Variant of Uncertain Significance. Algorithms developed to predict the effect of missense changes on protein structure and function output the following: SIFT: "Deleterious"; PolyPhen-2: "Benign"; Align-GVGD: "Class C0". The proline amino acid residue is found in multiple mammalian species, which suggests that this missense change does not adversely affect protein function. ClinVar contains an entry for this variant (Variation ID: 1036817). This variant has not been reported in the literature in individuals affected with INVS-related conditions. This variant is not present in population databases (gnomAD no frequency). This sequence change replaces leucine, which is neutral and non-polar, with proline, which is neutral and non-polar, at codon 945 of the INVS protein (p.Leu945Pro).

NM_014425.5(INVS):c.2834T>C (p.Leu945Pro)

Gene: INVS (inversin; plus strand). Cytogenetic location: 9q31.1.
Variant type: single nucleotide variant.
Coding change: c.2834T>C on transcript NM_014425.5 (MANE Select); coding-DNA position 2834, T replaced by C.
Protein change: p.Leu945Pro; replaces leucine 945 with proline.
Molecular consequence: missense variant. On other transcripts: non-coding transcript variant (1).
Genome position (GRCh38, 1-based): chr9:100,296,964, T>C. VCF-style: chr9-100296964-T-C. GRCh37 (hg19) VCF-style: chr9-103059246-T-C.
Other names: c.2546T>C, p.Leu849Pro (NM_001318381.2); c.1856T>C, p.Leu619Pro (NM_001318382.2); short protein forms L619P, L945P, L849P.
Identifiers: ClinVar variation 1036817 (VCV001036817.8), dbSNP rs757927270, ClinGen allele CA374245042.
Genomic context (GRCh38, chr9:100,296,964, plus strand): 5'-CTGACCCAACCAGCTACCAGCTCAGGAAGCACCTGTCCCACCTTCGGCATATGAAGCAGC[T>C]TGGAGCTGGAGATGTGGACAGATGGAGGCAAGAGTCTACAGCATTGCTCCTCCAGGTTTG-3'
Protein context (NP_055240.2, residues 935-955): HLSHLRHMKQ[Leu945Pro]GAGDVDRWRQ